The following is an entry in ClinVar:

ClinVar aggregate classification (germline): Uncertain significance (1 of 4 stars; one submission).

Conditions:
Fanconi anemia (FA). Also called: Fanconi's anemia. Identifiers: Orphanet 84, MedGen C0015625, MeSH D005199, MONDO:0019391.

Submission:

Labcorp Genetics (formerly Invitae), Labcorp
Classification: Uncertain significance for Fanconi anemia. Last evaluated: 2022-02-22. Review status: criteria provided, single submitter. Criteria: Invitae Variant Classification Sherloc (09022015). Collection method: clinical testing. Allele origin: germline.
Comment: In summary, the available evidence is currently insufficient to determine the role of this variant in disease. Therefore, it has been classified as a Variant of Uncertain Significance. Algorithms developed to predict the effect of missense changes on protein structure and function are either unavailable or do not agree on the potential impact of this missense change (SIFT: "Deleterious"; PolyPhen-2: "Probably Damaging"; Align-GVGD: "Class C0"). This variant has not been reported in the literature in individuals affected with SLX4-related conditions. This variant is not present in population databases (gnomAD no frequency). This sequence change replaces alanine, which is neutral and non-polar, with serine, which is neutral and polar, at codon 426 of the SLX4 protein (p.Ala426Ser).

NM_032444.4(SLX4):c.1276G>T (p.Ala426Ser)

Gene: SLX4 (SLX4 structure-specific endonuclease subunit; minus strand). Cytogenetic location: 16p13.3.
Variant type: single nucleotide variant.
Coding change: c.1276G>T on transcript NM_032444.4 (MANE Select); coding-DNA position 1276, G replaced by T.
Protein change: p.Ala426Ser; replaces alanine 426 with serine.
Molecular consequence: missense variant.
Genome position (GRCh38, 1-based): chr16:3,597,887, C>A on the plus strand (G>T on the coding strand, the complement: SLX4 is on the minus strand). VCF-style: chr16-3597887-C-A. GRCh37 (hg19) VCF-style: chr16-3647888-C-A.
Other names: short protein forms A426S.
Identifiers: ClinVar variation 2101580 (VCV002101580.4), dbSNP rs1318629316, ClinGen allele CA394529546.